The following is an entry in ClinVar:

NM_001394062.1(MACF1):c.15997C>T (p.Gln5333Ter)

Gene: MACF1 (microtubule actin crosslinking factor 1; plus strand). Cytogenetic location: 1p34.3.
Variant type: single nucleotide variant.
Coding change: c.15997C>T on transcript NM_001394062.1 (MANE Select); coding-DNA position 15997, C replaced by T.
Protein change: p.Gln5333Ter; replaces glutamine 5333 with a stop codon.
Molecular consequence: nonsense.
Genome position (GRCh38, 1-based): chr1:39,422,748, C>T. VCF-style: chr1-39422748-C-T. GRCh37 (hg19) VCF-style: chr1-39888420-C-T.
Other names: c.4393C>T, p.Gln1465Ter (NM_001397473.1); c.9811C>T, p.Gln3271Ter (NM_012090.5); short protein forms Q1465*, Q3271*, Q5333*.
Identifiers: ClinVar variation 3368065 (VCV003368065.1).

ClinVar aggregate classification (germline): Uncertain significance (1 of 4 stars; one submission).

Submission:

GeneDx
Classification: Uncertain significance. Last evaluated: 2024-01-17. Review status: criteria provided, single submitter. Criteria: GeneDx Variant Classification Process June 2021. Collection method: clinical testing. Allele origin: germline. Affected: yes.
Comment: Not observed at significant frequency in large population cohorts (gnomAD); Nonsense variant predicted to result in protein truncation or nonsense mediated decay in a gene or region of a gene for which loss of function is not a well-established mechanism of disease; Has not been previously published as pathogenic or benign to our knowledge